The following is an entry in ClinVar:

ClinVar aggregate classification (germline): Conflicting classifications of pathogenicity. Review status: criteria provided, conflicting classifications (1 of 4 stars). 3 submissions from 3 submitters: Uncertain significance (2); Likely benign (1). Last evaluated 2025-07-13.

Conditions:
Hereditary cancer-predisposing syndrome. Also called: Hereditary Cancer Syndrome; Hereditary neoplastic syndrome; Neoplastic Syndromes, Hereditary; Tumor predisposition. Identifiers: Orphanet 140162, MedGen C0027672, MeSH D009386, MONDO:0015356.
Familial cancer of breast. Also called: BREAST CANCER, FAMILIAL; Hereditary breast cancer; hereditary breast carcinoma. Identifiers: Orphanet 227535, MedGen C0346153, MONDO:0016419, OMIM 114480. Disease mechanism: loss of function.

Allele frequency attached by ClinVar (database versions not stated): gnomAD 0.00001.
gnomAD v4.1: 2 of 1,602,378 alleles (0.00012%); highest among the groups gnomAD compares: Admixed American, 0.0017%; no homozygotes.

Submissions (3):

GeneDx
Classification: Uncertain significance. Last evaluated: 2025-07-13. Review status: criteria provided, single submitter. Criteria: GeneDx Variant Classification Process June 2021. Collection method: clinical testing. Allele origin: germline. Affected: yes.
Comment: Not observed at significant frequency in large population cohorts (gnomAD); In silico analysis suggests that this missense variant does not alter protein structure/function; Has not been previously published as pathogenic or benign to our knowledge

Ambry Genetics
Classification: Likely benign for Hereditary cancer-predisposing syndrome. Last evaluated: 2025-03-01. Review status: criteria provided, single submitter. Criteria: Ambry Variant Classification Scheme 2023. Collection method: clinical testing. Allele origin: germline.

Labcorp Genetics (formerly Invitae), Labcorp
Classification: Uncertain significance for Familial cancer of breast. Last evaluated: 2023-02-14. Review status: criteria provided, single submitter. Criteria: Invitae Variant Classification Sherloc (09022015). Collection method: clinical testing. Allele origin: germline.
Comment: This sequence change replaces glutamic acid, which is acidic and polar, with glutamine, which is neutral and polar, at codon 270 of the BARD1 protein (p.Glu270Gln). This variant is not present in population databases (gnomAD no frequency). This variant has not been reported in the literature in individuals affected with BARD1-related conditions. ClinVar contains an entry for this variant (Variation ID: 406749). Algorithms developed to predict the effect of missense changes on protein structure and function output the following: SIFT: "Tolerated"; PolyPhen-2: "Benign"; Align-GVGD: "Class C0". The glutamine amino acid residue is found in multiple mammalian species, which suggests that this missense change does not adversely affect protein function. In summary, the available evidence is currently insufficient to determine the role of this variant in disease. Therefore, it has been classified as a Variant of Uncertain Significance.

NM_000465.4(BARD1):c.808G>C (p.Glu270Gln)

Gene: BARD1 (BRCA1 associated RING domain 1; minus strand). Cytogenetic location: 2q35.
Variant type: single nucleotide variant.
Coding change: c.808G>C on transcript NM_000465.4 (MANE Select); coding-DNA position 808, G replaced by C.
Protein change: p.Glu270Gln; replaces glutamic acid 270 with glutamine.
Molecular consequence: missense variant. On other transcripts: non-coding transcript variant (2), intron variant (3).
Genome position (GRCh38, 1-based): chr2:214,781,066, C>G on the plus strand (G>C on the coding strand, the complement: BARD1 is on the minus strand). VCF-style: chr2-214781066-C-G. GRCh37 (hg19) VCF-style: chr2-215645790-C-G.
Other names: c.751G>C, p.Glu251Gln (NM_001282543.2); c.158+28346G>C (NM_001282548.2); c.215+15995G>C (NM_001282545.2); c.364+11231G>C (NM_001282549.2); short protein forms E270Q, E251Q.
Identifiers: ClinVar variation 406749 (VCV000406749.16), dbSNP rs1060501288, ClinGen allele CA16610656.